The following is an entry in ClinVar:

NM_001127644.2(GABRA1):c.37G>A (p.Ala13Thr)

Gene: GABRA1 (gamma-aminobutyric acid type A receptor subunit alpha1; plus strand). Cytogenetic location: 5q34.
Variant type: single nucleotide variant.
Coding change: c.37G>A on transcript NM_001127644.2 (MANE Select); coding-DNA position 37, G replaced by A.
Protein change: p.Ala13Thr; replaces alanine 13 with threonine.
Molecular consequence: missense variant.
Genome position (GRCh38, 1-based): chr5:161,850,847, G>A. VCF-style: chr5-161850847-G-A. GRCh37 (hg19) VCF-style: chr5-161277853-G-A.
Other names: c.37G>A, p.Ala13Thr (NM_000806.5, NM_001127643.2, NM_001127645.2 and 1 more transcripts); short protein forms A13T.
Identifiers: ClinVar variation 2924396 (VCV002924396.3), dbSNP rs1349103677, ClinGen allele CA362181117.

ClinVar aggregate classification (germline): Uncertain significance (1 of 4 stars; one submission).

Conditions:
Idiopathic generalized epilepsy. Also called: Generalised epilepsy; EIG. Identifiers: MedGen C0270850, MONDO:0005579, OMIM 600669.
Epilepsy, childhood absence 4 (ECA4). Also called: EPILEPSY, CHILDHOOD ABSENCE, SUSCEPTIBILITY TO, 4. Identifiers: Orphanet 307, MedGen C1970160.
Epilepsy, idiopathic generalized, susceptibility to, 13. Also called: EPILEPSY, JUVENILE MYOCLONIC, SUSCEPTIBILITY TO, 5. Identifiers: Orphanet 307, Orphanet 64280, MedGen C4013473, MONDO:0012627, OMIM 611136.

Submission:

Labcorp Genetics (formerly Invitae), Labcorp
Classification: Uncertain significance for Epilepsy, childhood absence 4; Epilepsy, idiopathic generalized, susceptibility to, 13; Idiopathic generalized epilepsy. Last evaluated: 2022-10-28. Review status: criteria provided, single submitter. Criteria: Invitae Variant Classification Sherloc (09022015). Collection method: clinical testing. Allele origin: germline.
Comment: In summary, the available evidence is currently insufficient to determine the role of this variant in disease. Therefore, it has been classified as a Variant of Uncertain Significance. Algorithms developed to predict the effect of missense changes on protein structure and function (SIFT, PolyPhen-2, Align-GVGD) all suggest that this variant is likely to be tolerated. This variant has not been reported in the literature in individuals affected with GABRA1-related conditions. This variant is not present in population databases (gnomAD no frequency). This sequence change replaces alanine, which is neutral and non-polar, with threonine, which is neutral and polar, at codon 13 of the GABRA1 protein (p.Ala13Thr).